The following is an entry in ClinVar:

NM_000744.7(CHRNA4):c.19G>A (p.Gly7Arg)

Genes: CHRNA4 (cholinergic receptor nicotinic alpha 4 subunit; minus strand), LOC100130587 (uncharacterized LOC100130587; plus strand). Cytogenetic location: 20q13.33.
Variant type: single nucleotide variant.
Coding change: c.19G>A on transcript NM_000744.7 (MANE Select); coding-DNA position 19, G replaced by A.
Protein change: p.Gly7Arg; replaces glycine 7 with arginine.
Molecular consequence: missense variant. On other transcripts: non-coding transcript variant (1), intron variant (1).
Genome position (GRCh38, 1-based): chr20:63,361,147, C>T on the plus strand (G>A on the coding strand, the complement: CHRNA4 is on the minus strand). VCF-style: chr20-63361147-C-T. GRCh37 (hg19) VCF-style: chr20-61992499-C-T.
Other names: c.-471+30G>A (NM_001256573.2); short protein forms G7R.
Identifiers: ClinVar variation 2787681 (VCV002787681.3), dbSNP rs1330177627, ClinGen allele CA409645001.
Genomic context (GRCh38, chr20:63,361,147, plus strand): 5'-TACCGCGCAGGAGGCCGGTCCCCAGAAGCAGCAGCAGCGGCGGCAGCAGCCGCGGCGCTC[C>T]GGGGCCCCCTAGCTCCATGGCGCACGCACCTCGCGGGCTCTAGATGCGGGCGGCTCCCGG-3'
Protein context (NP_000735.1, residues 1-17): MELGGP[Gly7Arg]APRLLPPLLL

ClinVar aggregate classification (germline): Uncertain significance (1 of 4 stars; one submission).

Conditions:
Familial sleep-related hypermotor epilepsy. Also called: Autosomal Dominant Sleep-Related Hypermotor (Hyperkinetic) Epilepsy. Identifiers: Orphanet 98784, MedGen C3696898, MONDO:0000030.

Allele frequency attached by ClinVar (database versions not stated): gnomAD 0.00001; gnomAD exomes below 0.00001.

Submission:

Labcorp Genetics (formerly Invitae), Labcorp
Classification: Uncertain significance. Last evaluated: 2024-01-22. Review status: criteria provided, single submitter. Criteria: Invitae Variant Classification Sherloc (09022015). Collection method: clinical testing. Allele origin: germline.
Comment: This sequence change replaces glycine, which is neutral and non-polar, with arginine, which is basic and polar, at codon 7 of the CHRNA4 protein (p.Gly7Arg). This variant is present in population databases (no rsID available, gnomAD 0.01%). This variant has not been reported in the literature in individuals affected with CHRNA4-related conditions. Algorithms developed to predict the effect of missense changes on protein structure and function output the following: SIFT: "Not Available"; PolyPhen-2: "Not Available"; Align-GVGD: "Not Available". The arginine amino acid residue is found in multiple mammalian species, which suggests that this missense change does not adversely affect protein function. In summary, the available evidence is currently insufficient to determine the role of this variant in disease. Therefore, it has been classified as a Variant of Uncertain Significance.